The following is an entry in ClinVar:

ClinVar aggregate classification (germline): Uncertain significance. Review status: criteria provided, multiple submitters, no conflicts (2 of 4 stars). 2 submissions from 2 submitters: Uncertain significance (2). Last evaluated 2025-03-19.

Conditions:
MID1-related disorder. Also called: MID1-related condition.

gnomAD v4.1: 1 of 1,209,674 alleles (0.000083%); highest among the groups gnomAD compares: Non-Finnish European, 0.00011%; no homozygotes.

Submissions (2):

Labcorp Genetics (formerly Invitae), Labcorp
Classification: Uncertain significance. Last evaluated: 2025-03-19. Review status: criteria provided, single submitter. Criteria: Invitae Variant Classification Sherloc (09022015). Collection method: clinical testing. Allele origin: germline.
Comment: This sequence change replaces threonine, which is neutral and polar, with isoleucine, which is neutral and non-polar, at codon 44 of the MID1 protein (p.Thr44Ile). This variant is not present in population databases (gnomAD no frequency). This variant has not been reported in the literature in individuals affected with MID1-related conditions. Invitae Evidence Modeling of protein sequence and biophysical properties (such as structural, functional, and spatial information, amino acid conservation, physicochemical variation, residue mobility, and thermodynamic stability) indicates that this missense variant is not expected to disrupt MID1 protein function with a negative predictive value of 80%. In summary, the available evidence is currently insufficient to determine the role of this variant in disease. Therefore, it has been classified as a Variant of Uncertain Significance.

PreventionGenetics, part of Exact Sciences
Classification: Uncertain significance for MID1-related condition. Last evaluated: 2025-01-12. Review status: criteria provided, single submitter. Criteria: ACMG Guidelines, 2015. Collection method: clinical testing. Allele origin: germline.
Comment: The MID1 c.131C>T variant is predicted to result in the amino acid substitution p.Thr44Ile. To our knowledge, this variant has not been reported in the literature or in a large population database (gnomAD), indicating this variant is rare. At this time, the clinical significance of this variant is uncertain due to the absence of conclusive functional and genetic evidence.

NM_000381.4(MID1):c.131C>T (p.Thr44Ile)

Gene: MID1 (midline 1; minus strand). Cytogenetic location: Xp22.2.
Variant type: single nucleotide variant.
Coding change: c.131C>T on transcript NM_000381.4 (MANE Select); coding-DNA position 131, C replaced by T.
Protein change: p.Thr44Ile; replaces threonine 44 with isoleucine.
Molecular consequence: missense variant.
Genome position (GRCh38, 1-based): chrX:10,567,417, G>A on the plus strand (C>T on the coding strand, the complement: MID1 is on the minus strand). VCF-style: chrX-10567417-G-A. GRCh37 (hg19) VCF-style: chrX-10535457-G-A.
Other names: c.131C>T, p.Thr44Ile (NM_001098624.2, NM_001193277.1, NM_001193278.1 and 5 more transcripts); c.131C>T (NM_000381.3); short protein forms T44I.
Identifiers: ClinVar variation 4810527 (VCV004810527.2).